The following is an entry in ClinVar:

NM_177977.3(HAP1):c.1201-4C>T

Gene: HAP1 (huntingtin associated protein 1; minus strand). Cytogenetic location: 17q21.2.
Variant type: single nucleotide variant.
Coding change: c.1201-4C>T on transcript NM_177977.3 (MANE Select); 4 bases into the intron before coding-DNA position 1201, C replaced by T.
Molecular consequence: intron variant. On other transcripts: synonymous variant (1).
Genome position (GRCh38, 1-based): chr17:41,727,840, G>A on the plus strand (C>T on the coding strand, the complement: HAP1 is on the minus strand). VCF-style: chr17-41727840-G-A. GRCh37 (hg19) VCF-style: chr17-39884092-G-A.
Other names: c.1293C>T, p.Phe431= (NM_001367459.1); c.1200+361C>T (NM_001367462.1, NM_001367461.1, NM_001367460.1 and 1 more transcripts); c.1224+361C>T (NM_001079870.1).
Identifiers: ClinVar variation 3043113 (VCV003043113.2), dbSNP rs554936057, ClinGen allele CA8564503.
Genomic context (GRCh38, chr17:41,727,840, plus strand): 5'-CTGGATTTCCTTCTCCGAAGCCAGCTGCTTCTGCAACTTTTCAGTCTCAGCCCCATACTG[G>A]AAGGACCCAAAACCAGTGAACCCCCATCTGAGGCCTACCCACTCAGGGCACCCCCTGCTT-3'

ClinVar aggregate classification (germline): Likely benign (0 of 4 stars; one submission).

Conditions:
HAP1-related disorder. Also called: HAP1-related condition.

Allele frequency attached by ClinVar (database versions not stated): gnomAD exomes 0.00003; ExAC 0.00004; TOPMed 0.00005; gnomAD 0.00006; 1000 Genomes Project 30x 0.00047; 1000 Genomes Project 0.00060.
gnomAD v4.1: 49 of 1,581,022 alleles (0.0031%); highest among the groups gnomAD compares: East Asian, 0.029%; no homozygotes.

Submission:

PreventionGenetics, part of Exact Sciences
Classification: Likely benign for HAP1-related condition. Last evaluated: 2019-07-01. Review status: no assertion criteria provided. Collection method: clinical testing. Allele origin: germline.
Comment: This variant is classified as likely benign based on ACMG/AMP sequence variant interpretation guidelines (Richards et al. 2015 PMID: 25741868, with internal and published modifications).